The following is an entry in ClinVar:

ClinVar aggregate classification (germline): Uncertain significance (1 of 4 stars; one submission).

Conditions:
Atrial standstill 1 (ATRST1). Also called: ATRIAL CARDIOMYOPATHY WITH HEART BLOCK; CARDIOMYOPATHY, FAMILIAL, WITH CONDUCTION DISTURBANCE; Atrial standstill, digenic (GJA5/SCN5A). Identifiers: Orphanet 1344, MedGen C4551959, MONDO:0007171, OMIM 108770.
Atrial fibrillation, familial, 11 (ATFB11). Identifiers: MedGen C3279693, MONDO:0013544, OMIM 614049.

gnomAD v4.1: 20 of 1,608,892 alleles (0.0012%); highest among the groups gnomAD compares: Non-Finnish European, 0.0016%; no homozygotes.

Submission:

Labcorp Genetics (formerly Invitae), Labcorp
Classification: Uncertain significance for Atrial fibrillation, familial, 11; Atrial standstill 1. Last evaluated: 2025-01-31. Review status: criteria provided, single submitter. Criteria: Invitae Variant Classification Sherloc (09022015). Collection method: clinical testing. Allele origin: germline.
Comment: This variant occurs in a non-coding region of the GJA5 gene. It does not change the encoded amino acid sequence of the GJA5 protein. This variant is not present in population databases (gnomAD no frequency). This variant has not been reported in the literature in individuals affected with GJA5-related conditions. Experimental studies and prediction algorithms are not available or were not evaluated, and the functional significance of this variant is currently unknown. In summary, the available evidence is currently insufficient to determine the role of this variant in disease. Therefore, it has been classified as a Variant of Uncertain Significance.

NM_181703.4(GJA5):c.1067T>A (p.Leu356Gln)

Gene: GJA5 (gap junction protein alpha 5; minus strand). Cytogenetic location: 1q21.2.
Variant type: single nucleotide variant.
Coding change: c.1067T>A on transcript NM_181703.4 (MANE Select); coding-DNA position 1067, T replaced by A.
Protein change: p.Leu356Gln; replaces leucine 356 with glutamine.
Molecular consequence: missense variant.
Genome position (GRCh38, 1-based): chr1:147,758,172, A>T on the plus strand (T>A on the coding strand, the complement: GJA5 is on the minus strand). VCF-style: chr1-147758172-A-T. GRCh37 (hg19) VCF-style: chr1-147230280-A-T.
Other names: c.1067T>A, p.Leu356Gln (NM_005266.7); short protein forms L356Q.
Identifiers: ClinVar variation 3763851 (VCV003763851.2).